The following is an entry in ClinVar:

NM_006734.4(HIVEP2):c.2067A>T (p.Gly689=)

Gene: HIVEP2 (HIVEP zinc finger 2; minus strand). Cytogenetic location: 6q24.2.
Variant type: single nucleotide variant.
Coding change: c.2067A>T on transcript NM_006734.4 (MANE Select); coding-DNA position 2067, A replaced by T.
Protein change: p.Gly689=; no amino-acid change (glycine 689 retained).
Molecular consequence: synonymous variant.
Genome position (GRCh38, 1-based): chr6:142,772,672, T>A on the plus strand (A>T on the coding strand, the complement: HIVEP2 is on the minus strand). VCF-style: chr6-142772672-T-A. GRCh37 (hg19) VCF-style: chr6-143093809-T-A.
Other names: c.2067A>T, p.Gly689= (NM_001438449.1, NM_001438450.1, NM_001438451.1).
Identifiers: ClinVar variation 4821854 (VCV004821854.4).

ClinVar aggregate classification (germline): Likely benign (1 of 4 stars; one submission).

Submission:

CeGaT Center for Human Genetics Tuebingen
Classification: Likely benign. Last evaluated: 2026-04-01. Review status: criteria provided, single submitter. Criteria: CeGaT Center For Human Genetics Tuebingen Variant Classification Criteria Version 2. Collection method: clinical testing. Allele origin: germline. Affected: yes. Observed: 1 variant allele.
Comment: HIVEP2: PM2:Supporting, BP4, BP7